The following is an entry in ClinVar:

NM_000414.4(HSD17B4):c.1956G>A (p.Trp652Ter)

Gene: HSD17B4 (hydroxysteroid 17-beta dehydrogenase 4; plus strand). Cytogenetic location: 5q23.1.
Variant type: single nucleotide variant.
Coding change: c.1956G>A on transcript NM_000414.4 (MANE Select); coding-DNA position 1956, G replaced by A.
Protein change: p.Trp652Ter; replaces tryptophan 652 with a stop codon.
Molecular consequence: nonsense. On other transcripts: non-coding transcript variant (2).
Genome position (GRCh38, 1-based): chr5:119,531,367, G>A. VCF-style: chr5-119531367-G-A. GRCh37 (hg19) VCF-style: chr5-118867062-G-A.
Other names: c.2031G>A, p.Trp677Ter (NM_001199291.3); c.1902G>A, p.Trp634Ter (NM_001199292.2); c.1884G>A, p.Trp628Ter (NM_001292027.2, NM_001374498.1); c.1536G>A, p.Trp512Ter (NM_001292028.2); c.1947G>A, p.Trp649Ter (NM_001374497.1); c.1629G>A, p.Trp543Ter (NM_001374499.1); c.1515G>A, p.Trp505Ter (NM_001374500.1); c.1545G>A, p.Trp515Ter (NM_001374501.1, NM_001374502.1, NM_001374503.1); short protein forms W505*, W512*, W634*, W649*, W652*, W543*, W628*, W515*.
Identifiers: ClinVar variation 2013219 (VCV002013219.4), dbSNP rs775211111, ClinGen allele CA125859879.

ClinVar aggregate classification (germline): Pathogenic (1 of 4 stars; one submission).

Conditions:
Bifunctional peroxisomal enzyme deficiency (DBIF). Also called: DBP DEFICIENCY; PBFE DEFICIENCY; D-bifunctional protein deficiency. Identifiers: Orphanet 300, MedGen C0342870, MONDO:0009855, OMIM 261515. Disease mechanism: loss of function.
Perrault syndrome. Also called: Gonadal dysgenesis with auditory dysfunction, autosomal recessive inheritance. Identifiers: Orphanet 2855, MedGen C0685838, MONDO:0017312.

Submission:

Labcorp Genetics (formerly Invitae), Labcorp
Classification: Pathogenic for Perrault syndrome; Bifunctional peroxisomal enzyme deficiency. Last evaluated: 2022-07-02. Review status: criteria provided, single submitter. Criteria: Invitae Variant Classification Sherloc (09022015). Collection method: clinical testing. Allele origin: germline.
Comment: This variant has not been reported in the literature in individuals affected with HSD17B4-related conditions. This variant is not present in population databases (gnomAD no frequency). This sequence change creates a premature translational stop signal (p.Trp652*) in the HSD17B4 gene. It is expected to result in an absent or disrupted protein product. Loss-of-function variants in HSD17B4 are known to be pathogenic (PMID: 11810648, 16385454). For these reasons, this variant has been classified as Pathogenic.

Literature cited by the submitters: PubMed 11810648; PubMed 16385454.